The following is an entry in ClinVar:

NM_000702.4(ATP1A2):c.1182A>G (p.Gln394=)

Gene: ATP1A2 (ATPase Na+/K+ transporting subunit alpha 2; plus strand). Cytogenetic location: 1q23.2.
Variant type: single nucleotide variant.
Coding change: c.1182A>G on transcript NM_000702.4 (MANE Select); coding-DNA position 1182, A replaced by G.
Protein change: p.Gln394=; no amino-acid change (glutamine 394 retained).
Molecular consequence: synonymous variant.
Genome position (GRCh38, 1-based): chr1:160,128,816, A>G. VCF-style: chr1-160128816-A-G. GRCh37 (hg19) VCF-style: chr1-160098606-A-G.
Identifiers: ClinVar variation 516175 (VCV000516175.5), dbSNP rs1553244893, ClinGen allele CA421600091.

ClinVar aggregate classification (germline): Likely benign. Review status: criteria provided, multiple submitters, no conflicts (2 of 4 stars). 2 submissions from 2 submitters: Likely benign (2). Last evaluated 2023-07-17.

Conditions:
Familial hemiplegic migraine. Identifiers: MedGen C0338484, MONDO:0000700.

Submissions (2):

Labcorp Genetics (formerly Invitae), Labcorp
Classification: Likely benign for Familial hemiplegic migraine. Last evaluated: 2023-07-17. Review status: criteria provided, single submitter. Criteria: Invitae Variant Classification Sherloc (09022015). Collection method: clinical testing. Allele origin: germline.

GeneDx
Classification: Likely benign. Last evaluated: 2017-12-07. Review status: criteria provided, single submitter. Criteria: GeneDx Variant Classification (06012015). Collection method: clinical testing. Allele origin: germline. Affected: yes.
Comment: This variant is considered likely benign or benign based on one or more of the following criteria: it is a conservative change, it occurs at a poorly conserved position in the protein, it is predicted to be benign by multiple in silico algorithms, and/or has population frequency not consistent with disease.